The following is an entry in ClinVar:

NM_001374828.1(ARID1B):c.1613C>G (p.Ser538Cys)

Gene: ARID1B (AT-rich interaction domain 1B; plus strand). Cytogenetic location: 6q25.3.
Variant type: single nucleotide variant.
Coding change: c.1613C>G on transcript NM_001374828.1 (MANE Select); coding-DNA position 1613, C replaced by G.
Protein change: p.Ser538Cys; replaces serine 538 with cysteine.
Molecular consequence: missense variant.
Genome position (GRCh38, 1-based): chr6:156,779,293, C>G. VCF-style: chr6-156779293-C-G. GRCh37 (hg19) VCF-style: chr6-157100427-C-G.
Other names: c.1364C>G, p.Ser455Cys (NM_001346813.1, NM_020732.3); c.1613C>G, p.Ser538Cys (NM_001371656.1, NM_001374820.1, NM_017519.3); c.1190C>G, p.Ser397Cys (NM_175863.2); short protein forms S397C, S455C, S538C.
Identifiers: ClinVar variation 1708752 (VCV001708752.2), dbSNP rs2546843590, ClinGen allele CA366385132.

ClinVar aggregate classification (germline): Uncertain significance (1 of 4 stars; one submission).

Submission:

GeneDx
Classification: Uncertain significance. Last evaluated: 2022-04-07. Review status: criteria provided, single submitter. Criteria: GeneDx Variant Classification Process June 2021. Collection method: clinical testing. Allele origin: germline. Affected: yes.
Comment: Not observed at significant frequency in large population cohorts (gnomAD); In silico analysis supports that this missense variant does not alter protein structure/function; Has not been previously published as pathogenic or benign to our knowledge